The following is an entry in ClinVar:

NM_004360.5(CDH1):c.220C>G (p.Arg74Gly)

Gene: CDH1 (cadherin 1; plus strand). Cytogenetic location: 16q22.1.
Variant type: single nucleotide variant.
Coding change: c.220C>G on transcript NM_004360.5 (MANE Select); coding-DNA position 220, C replaced by G.
Protein change: p.Arg74Gly; replaces arginine 74 with glycine.
Molecular consequence: missense variant. On other transcripts: 5 prime UTR variant (2).
Genome position (GRCh38, 1-based): chr16:68,801,726, C>G. VCF-style: chr16-68801726-C-G. GRCh37 (hg19) VCF-style: chr16-68835629-C-G.
Other names: c.220C>G (LRG_301t1); c.220C>G, p.Arg74Gly (NM_001317184.2); c.-1396C>G (NM_001317185.2); c.-1600C>G (NM_001317186.2); short protein forms R74G.
Identifiers: ClinVar variation 231058 (VCV000231058.15), dbSNP rs876658932, ClinGen allele CA10580077.

ClinVar aggregate classification (germline): Uncertain significance. Review status: criteria provided, multiple submitters, no conflicts (2 of 4 stars). 2 submissions from 2 submitters: Uncertain significance (2). Last evaluated 2025-04-30.

Conditions:
Hereditary cancer-predisposing syndrome. Also called: Hereditary Cancer Syndrome; Neoplastic Syndromes, Hereditary; Tumor predisposition; Hereditary neoplastic syndrome. Identifiers: Orphanet 140162, MedGen C0027672, MeSH D009386, MONDO:0015356.
Hereditary diffuse gastric adenocarcinoma (HDGC). Also called: DIFFUSE GASTRIC AND LOBULAR BREAST CANCER SYNDROME. Identifiers: Orphanet 26106, MedGen C1708349, MONDO:0007648, OMIM 137215.

Allele frequency attached by ClinVar (database versions not stated): TOPMed below 0.00001; gnomAD 0.00001.
gnomAD v4.1: 1 of 1,614,020 alleles (0.000062%); highest among the groups gnomAD compares: African/African-American, 0.0013%; no homozygotes.

Submissions (2):

Labcorp Genetics (formerly Invitae), Labcorp
Classification: Uncertain significance for Hereditary diffuse gastric adenocarcinoma. Last evaluated: 2025-04-30. Review status: criteria provided, single submitter. Criteria: Invitae Variant Classification Sherloc (09022015). Collection method: clinical testing. Allele origin: germline.
Comment: This sequence change replaces arginine, which is basic and polar, with glycine, which is neutral and non-polar, at codon 74 of the CDH1 protein (p.Arg74Gly). This variant is not present in population databases (gnomAD no frequency). This variant has not been reported in the literature in individuals affected with CDH1-related conditions. ClinVar contains an entry for this variant (Variation ID: 231058). An algorithm developed to predict the effect of missense changes on protein structure and function (PolyPhen-2) suggests that this variant is likely to be tolerated. In summary, the available evidence is currently insufficient to determine the role of this variant in disease. Therefore, it has been classified as a Variant of Uncertain Significance.

Ambry Genetics
Classification: Uncertain significance for Hereditary cancer-predisposing syndrome. Last evaluated: 2023-01-27. Review status: criteria provided, single submitter. Criteria: Ambry Variant Classification Scheme 2023. Collection method: clinical testing. Allele origin: germline.
Comment: The p.R74G variant (also known as c.220C>G), located in coding exon 3 of the CDH1 gene, results from a C to G substitution at nucleotide position 220. The arginine at codon 74 is replaced by glycine, an amino acid with dissimilar properties. This amino acid position is well conserved in available vertebrate species. In addition, this alteration is predicted to be tolerated by in silico analysis. Since supporting evidence is limited at this time, the clinical significance of this alteration remains unclear.